The following is an entry in ClinVar:

NM_001267550.2(TTN):c.1333G>A (p.Ala445Thr)

Gene: TTN (titin; minus strand). Cytogenetic location: 2q31.2.
Variant type: single nucleotide variant.
Coding change: c.1333G>A on transcript NM_001267550.2 (MANE Select); coding-DNA position 1333, G replaced by A.
Protein change: p.Ala445Thr; replaces alanine 445 with threonine.
Molecular consequence: missense variant.
Genome position (GRCh38, 1-based): chr2:178,794,464, C>T on the plus strand (G>A on the coding strand, the complement: TTN is on the minus strand). VCF-style: chr2-178794464-C-T. GRCh37 (hg19) VCF-style: chr2-179659191-C-T.
Other names: c.1333G>A, p.Ala445Thr (NM_001256850.1, NM_133379.5, NM_133432.3 and 3 more transcripts); short protein forms A445T.
Identifiers: ClinVar variation 178276 (VCV000178276.47), dbSNP rs142414432, ClinGen allele CA182011.

ClinVar aggregate classification (germline): Conflicting classifications of pathogenicity. Review status: criteria provided, conflicting classifications (1 of 4 stars). 17 submissions from 13 submitters: Uncertain significance (8); Benign (2); Likely benign (7). Last evaluated 2025-10-22.

Conditions:
TTN-related disorder. Also called: TTN-related disorders; TTN-related condition; TTN-related disease.
Cardiovascular phenotype. Identifiers: MedGen CN230736.
Dilated cardiomyopathy 1G (CMD1G). Identifiers: Orphanet 154, MedGen C1858763, MONDO:0011400, OMIM 604145.
Autosomal recessive limb-girdle muscular dystrophy type 2J (LGMDR10). Also called: Limb-girdle muscular dystrophy, type 2J; MUSCULAR DYSTROPHY, LIMB-GIRDLE, AUTOSOMAL RECESSIVE 10. Identifiers: Orphanet 140922, MedGen C1837342, MONDO:0012127, OMIM 608807.
Myopathy, myofibrillar, 9, with early respiratory failure (MFM9). Also called: Hereditary myopathy with early respiratory failure; MYOPATHY, PROXIMAL, WITH EARLY RESPIRATORY MUSCLE INVOLVEMENT; EDSTROM MYOPATHY; Myopathy, distal, with early respiratory failure, autosomal dominant. Identifiers: Orphanet 178464, Orphanet 34521, MedGen C1863599, MONDO:0011362, OMIM 603689.
Tibial muscular dystrophy (TMD). Also called: UDD MYOPATHY; Tibial muscular dystrophy, tardive; Udd Distal Myopathy – Tibial Muscular Dystrophy. Identifiers: Orphanet 609, MedGen C1838244, MONDO:0010870, OMIM 600334.
Early-onset myopathy with fatal cardiomyopathy (CMYO5). Also called: CONGENITAL MYOPATHY 5 WITH CARDIOMYOPATHY; Salih Myopathy. Identifiers: Orphanet 289377, MedGen C2673677, MONDO:0012714, OMIM 611705. Disease mechanism: loss of function.

Allele frequency attached by ClinVar (database versions not stated): gnomAD 0.00010; ExAC 0.00023; TOPMed 0.00032; ESP Exome Variant Server 0.00038; 1000 Genomes Project 0.00040; 1000 Genomes Project 30x 0.00047.

Submissions (17):

PreventionGenetics, part of Exact Sciences
Classification: Likely benign for TTN-related condition. Last evaluated: 2025-10-22. Review status: criteria provided, single submitter. Criteria: ACMG Guidelines, 2015. Collection method: clinical testing. Allele origin: germline.
Comment: This variant is classified as likely benign based on ACMG/AMP sequence variant interpretation guidelines (Richards et al. 2015 PMID: 25741868, with internal and published modifications).

Women's Health and Genetics/Laboratory Corporation of America, LabCorp
Classification: Likely benign. Last evaluated: 2025-09-15. Review status: criteria provided, single submitter. Criteria: LabCorp Variant Classification Summary - May 2015. Collection method: clinical testing. Allele origin: germline.
Comment: Variant summary: TTN c.1333G>A (p.Ala445Thr) results in a non-conservative amino acid change located in the Z-disk region of the encoded protein sequence. Algorithms developed to predict the effect of missense changes on protein structure and function are either unavailable or do not agree on the potential impact of this missense change. The variant allele was found at a frequency of 0.00029 in 1607220 control chromosomes, predominantly at a frequency of 0.002 within the Ashkenazi Jewish subpopulation in the gnomAD database (v4.1 dataset). The observed variant frequency within Ashkenazi Jewish control individuals in the gnomAD database exceeds the estimated maximal expected allele frequency for disease-causing variants in TTN. c.1333G>A has been observed in individual(s) affected with Dilated Cardiomyopathy (DCM) and other cardiac phenotypes (e.g. Campuzano_2015, van Lint_2019, Guelly_2021, Perez-Serra_2024). However, in one of these DCM cases, a co-occurrence with a pathogenic variant has been reported (RBM20 c.1913C>T, p.Pro638Leu; Perez-Serra_2024), providing supporting evidence for a benign role. To our knowledge, no experimental evidence demonstrating an impact on protein function has been reported. The following publications have been ascertained in the context of this evaluation (PMID: 26516846, 33552729, 30847666, 38612618). ClinVar contains an entry for this variant (Variation ID: 178276). Based on the evidence outlined above, the variant was classified as likely benign.

Molecular Diagnostic Laboratory for Inherited Cardiovascular Disease, Montreal Heart Institute
Classification: Likely benign. Last evaluated: 2025-04-09. Review status: criteria provided, single submitter. Criteria: ACMG Guidelines, 2015. Collection method: clinical testing. Allele origin: germline. Affected: no.

Revvity Omics, Revvity
Classification: Uncertain significance. Last evaluated: 2024-12-24. Review status: criteria provided, single submitter. Criteria: ACMG Guidelines, 2015. Collection method: clinical testing. Allele origin: germline.

Blueprint Genetics
Classification: Likely benign. Last evaluated: 2024-09-10. Review status: criteria provided, single submitter. Criteria: ACMG Guidelines, 2015. Collection method: clinical testing. Allele origin: germline.

CeGaT Center for Human Genetics Tuebingen
Classification: Uncertain significance. Last evaluated: 2024-05-01. Review status: criteria provided, single submitter. Criteria: CeGaT Center For Human Genetics Tuebingen Variant Classification Criteria Version 2. Collection method: clinical testing. Allele origin: germline. Affected: yes. Observed: 1 variant allele.

GeneDx
Classification: Likely benign. Last evaluated: 2021-03-11. Review status: criteria provided, single submitter. Criteria: GeneDx Variant Classification Process June 2021. Collection method: clinical testing. Allele origin: germline. Affected: yes.
Comment: This variant is associated with the following publications: (PMID: 30847666)

Athena Diagnostics
Classification: Likely benign. Last evaluated: 2020-01-07. Review status: criteria provided, single submitter. Criteria: Athena Diagnostics Criteria. Collection method: clinical testing. Allele origin: unknown.

Ambry Genetics
Classification: Likely benign for Cardiovascular phenotype. Last evaluated: 2019-10-18. Review status: criteria provided, single submitter. Criteria: Ambry Variant Classification Scheme 2023. Collection method: clinical testing. Allele origin: germline.

Eurofins Ntd Llc (ga)
Classification: Uncertain significance. Last evaluated: 2018-08-24. Review status: criteria provided, single submitter. Criteria: EGL ClinVar v180209 classification definitions. Collection method: clinical testing. Allele origin: germline. Observed: 3 variant alleles, 3 heterozygotes.

Illumina Laboratory Services, Illumina
Classification: Uncertain significance for Early-onset myopathy with fatal cardiomyopathy. Last evaluated: 2018-01-13. Review status: criteria provided, single submitter. Criteria: ICSL Variant Classification Criteria 13 December 2019. Collection method: clinical testing. Allele origin: germline.

Illumina Laboratory Services, Illumina
Classification: Benign for Myopathy, myofibrillar, 9, with early respiratory failure. Last evaluated: 2018-01-13. Review status: criteria provided, single submitter. Criteria: ICSL Variant Classification Criteria 13 December 2019. Collection method: clinical testing. Allele origin: germline.
Comment: This variant was observed in the ICSL laboratory as part of a predisposition screen in an ostensibly healthy population. It had not been previously curated by ICSL or reported in the Human Gene Mutation Database (HGMD: prior to June 1st, 2018), and was therefore a candidate for classification through an automated scoring system. Utilizing variant allele frequency, disease prevalence and penetrance estimates, and inheritance mode, an automated score was calculated to assess if this variant is too frequent to cause the disease. Based on the score and internal cut-off values, a variant classified as benign is not then subjected to further curation. The score for this variant resulted in a classification of benign for this disease.

Illumina Laboratory Services, Illumina
Classification: Uncertain significance for Dilated cardiomyopathy 1G. Last evaluated: 2018-01-13. Review status: criteria provided, single submitter. Criteria: ICSL Variant Classification Criteria 13 December 2019. Collection method: clinical testing. Allele origin: germline.

Illumina Laboratory Services, Illumina
Classification: Benign for Tibial muscular dystrophy. Last evaluated: 2018-01-13. Review status: criteria provided, single submitter. Criteria: ICSL Variant Classification Criteria 13 December 2019. Collection method: clinical testing. Allele origin: germline.
Comment: the same text as in the submission from Illumina Laboratory Services, Illumina above.

Illumina Laboratory Services, Illumina
Classification: Uncertain significance for Autosomal recessive limb-girdle muscular dystrophy type 2J. Last evaluated: 2018-01-13. Review status: criteria provided, single submitter. Criteria: ICSL Variant Classification Criteria 13 December 2019. Collection method: clinical testing. Allele origin: germline.

Labcorp Genetics (formerly Invitae), Labcorp
Classification: Uncertain significance for Dilated cardiomyopathy 1G; Autosomal recessive limb-girdle muscular dystrophy type 2J. Last evaluated: 2017-10-19. Review status: criteria provided, single submitter. Criteria: Invitae Variant Classification Sherloc (09022015). Collection method: clinical testing. Allele origin: germline.

Laboratory for Molecular Medicine, Mass General Brigham Personalized Medicine
Classification: Uncertain significance. Last evaluated: 2013-12-26. Review status: criteria provided, single submitter. Criteria: LMM Criteria. Collection method: clinical testing. Allele origin: germline. Observed: 1 variant allele.
Comment: The Ala445Thr variant in TTN has not been previously reported in individuals wit h cardiomyopathy, but has been identified in 5/8600 European American chromosome s by the NHLBI Exome Sequencing Project (dbSNP rs1 42414432). Computational analyses (amino acid biochemical properties, conservat ion, AlignGVGD, PolyPhen2, and SIFT) do not provide strong support for or agains t an impact to the protein. Additional information is needed to fully assess the clinical significance of this variant.

Literature cited by the submitters: PubMed 26516846 (cited by Women's Health and Genetics/Laboratory Corporation of America, LabCorp); PubMed 30847666 (cited by Women's Health and Genetics/Laboratory Corporation of America, LabCorp); PubMed 33552729 (cited by Women's Health and Genetics/Laboratory Corporation of America, LabCorp); PubMed 38612618 (cited by Women's Health and Genetics/Laboratory Corporation of America, LabCorp).